The following is an entry in ClinVar:

ClinVar aggregate classification (germline): Pathogenic (1 of 4 stars; one submission).

Submission:

Labcorp Genetics (formerly Invitae), Labcorp
Classification: Pathogenic. Last evaluated: 2021-12-03. Review status: criteria provided, single submitter. Criteria: Invitae Variant Classification Sherloc (09022015). Collection method: clinical testing. Allele origin: germline.
Comment: For these reasons, this variant has been classified as Pathogenic. This variant has not been reported in the literature in individuals affected with PDE6B-related conditions. This variant is not present in population databases (gnomAD no frequency). This sequence change creates a premature translational stop signal (p.Ala372Profs*50) in the PDE6B gene. It is expected to result in an absent or disrupted protein product. Loss-of-function variants in PDE6B are known to be pathogenic (PMID: 8394174, 8595886, 22334370).

Literature cited by the submitters: PubMed 8394174; PubMed 8595886; PubMed 22334370.

NM_000283.4(PDE6B):c.1114del (p.Ala372fs)

Gene: PDE6B (phosphodiesterase 6B; plus strand). Cytogenetic location: 4p16.3.
Variant type: Deletion.
Coding change: c.1114del on transcript NM_000283.4 (MANE Select); coding-DNA position 1114, one base deleted (G; older notation c.1114delG).
Protein change: p.Ala372fs; shifts the reading frame from alanine 372.
Molecular consequence: frameshift variant. On other transcripts: 5 prime UTR variant (1).
Genome position (GRCh38, 1-based): chr4:656,880, G deleted; the last of 4 consecutive G bases (chr4:656,877-656,880); deleting any one gives the same sequence. VCF-style (leftmost placement, unchanged base first): chr4-656876-AG-A. GRCh37 (hg19) VCF-style: chr4-650665-AG-A.
Other names: c.1114del, p.Ala372fs (NM_001145291.2); c.277del, p.Ala93fs (NM_001145292.2, NM_001350154.3, NM_001379246.1 and 1 more transcripts); c.-42del (NM_001350155.3); short protein forms A372fs, A93fs.
Identifiers: ClinVar variation 1457127 (VCV001457127.6), dbSNP rs2109214218, ClinGen allele CA2573138214.